The following is an entry in ClinVar:

NM_052947.4(ALPK2):c.4033C>G (p.Pro1345Ala)

Genes: ALPK2 (alpha kinase 2; minus strand), LOC126862764 (BRD4-independent group 4 enhancer GRCh37_chr18:56202574-56203773; plus strand). Cytogenetic location: 18q21.31.
Variant type: single nucleotide variant.
Coding change: c.4033C>G on transcript NM_052947.4 (MANE Select); coding-DNA position 4033, C replaced by G.
Protein change: p.Pro1345Ala; replaces proline 1345 with alanine.
Molecular consequence: missense variant.
Genome position (GRCh38, 1-based): chr18:58,536,154, G>C on the plus strand (C>G on the coding strand, the complement: ALPK2 is on the minus strand). VCF-style: chr18-58536154-G-C. GRCh37 (hg19) VCF-style: chr18-56203386-G-C.
Other names: short protein forms P1345A.
Identifiers: ClinVar variation 2449269 (VCV002449269.2), dbSNP rs764623366, ClinGen allele CA402564681.

ClinVar aggregate classification (germline): Uncertain significance (1 of 4 stars; one submission).

Submission:

Ambry Genetics
Classification: Uncertain significance. Last evaluated: 2023-01-27. Review status: criteria provided, single submitter. Criteria: Ambry Variant Classification Scheme 2023. Collection method: clinical testing. Allele origin: germline.
Comment: The p.P1345A variant (also known as c.4033C>G), located in coding exon 4 of the ALPK2 gene, results from a C to G substitution at nucleotide position 4033. The proline at codon 1345 is replaced by alanine, an amino acid with highly similar properties. This amino acid position is conserved. In addition, this alteration is predicted to be tolerated by in silico analysis. Since supporting evidence is limited at this time, the clinical significance of this alteration remains unclear.